The following is an entry in ClinVar:

NM_001142864.4(PIEZO1):c.63T>G (p.Ala21=)

Gene: PIEZO1 (piezo type mechanosensitive ion channel component 1 (Er blood group); minus strand). Cytogenetic location: 16q24.3.
Variant type: single nucleotide variant.
Coding change: c.63T>G on transcript NM_001142864.4 (MANE Select); coding-DNA position 63, T replaced by G.
Protein change: p.Ala21=; no amino-acid change (alanine 21 retained).
Molecular consequence: synonymous variant.
Genome position (GRCh38, 1-based): chr16:88,784,902, A>C on the plus strand (T>G on the coding strand, the complement: PIEZO1 is on the minus strand). VCF-style: chr16-88784902-A-C. GRCh37 (hg19) VCF-style: chr16-88851310-A-C.
Other names: p.Ala21=; c.63T>G, p.Ala21= (LRG_1137t1).
Identifiers: ClinVar variation 440047 (VCV000440047.65), dbSNP rs2911442, ClinGen allele CA8233452.

ClinVar aggregate classification (germline): Benign. Review status: criteria provided, multiple submitters, no conflicts (2 of 4 stars). 8 submissions from 7 submitters: Benign (8). Last evaluated 2026-02-03.

Conditions:
Dehydrated hereditary stomatocytosis with or without pseudohyperkalemia and/or perinatal edema (DHS1). Also called: Dehydrated hereditary stomatocytosis 1 with or without pseudohyperkalemia and/or perinatal edema; PSEUDOHYPERKALEMIA EDINBURGH; DEHYDRATED HEREDITARY STOMATOCYTOSIS AND PSEUDOHYPERKALEMIA; DEHYDRATED HEREDITARY STOMATOCYTOSIS WITH PSEUDOHYPERKALEMIA AND PERINATAL EDEMA; Pseudohyperkalemia, familial, 1, due to red cell leak. Identifiers: Orphanet 3202, MedGen C4551512, MONDO:0008689, OMIM 194380.
Lymphatic malformation 6 (LMPHM6). Also called: GENERALIZED LYMPHATIC DYSPLASIA OF FOTIOU; Lymphedema, hereditary, III; PIEZO1-related generalized lymphatic dysplasia with non-immune hydrops fetalis. Identifiers: Orphanet 568062, MedGen C4225184, MONDO:0014797, OMIM 616843.

Allele frequency attached by ClinVar (database versions not stated): 1000 Genomes Project 30x 0.29294; 1000 Genomes Project 0.29932; TOPMed 0.30525; gnomAD 0.30977 and 0.31338; ExAC 0.33630; gnomAD exomes 0.34709.

Submissions (8):

Labcorp Genetics (formerly Invitae), Labcorp
Classification: Benign. Last evaluated: 2026-02-03. Review status: criteria provided, single submitter. Criteria: Invitae Variant Classification Sherloc (09022015). Collection method: clinical testing. Allele origin: germline.

ARUP Laboratories, Molecular Genetics and Genomics, ARUP Laboratories
Classification: Benign. Last evaluated: 2025-07-31. Review status: criteria provided, single submitter. Criteria: ARUP Molecular Germline Variant Investigation Process 2024. Collection method: clinical testing. Allele origin: germline.

Blueprint Genetics
Classification: Benign. Last evaluated: 2024-11-27. Review status: criteria provided, single submitter. Criteria: ACMG Guidelines, 2015. Collection method: clinical testing. Allele origin: germline.

Mayo Clinic Laboratories, Mayo Clinic
Classification: Benign. Last evaluated: 2023-05-02. Review status: criteria provided, single submitter. Criteria: ACMG Guidelines, 2015. Collection method: clinical testing. Allele origin: germline. Observed: 725 variant alleles.
Comment: BA1

Genome-Nilou Lab
Classification: Benign for Dehydrated hereditary stomatocytosis with or without pseudohyperkalemia and/or perinatal edema. Last evaluated: 2021-09-05. Review status: criteria provided, single submitter. Criteria: ACMG Guidelines, 2015. Collection method: clinical testing. Allele origin: germline. Affected: no.

Genome-Nilou Lab
Classification: Benign for Lymphatic malformation 6. Last evaluated: 2021-09-05. Review status: criteria provided, single submitter. Criteria: ACMG Guidelines, 2015. Collection method: clinical testing. Allele origin: germline. Affected: no.

GeneDx
Classification: Benign. Last evaluated: 2018-07-05. Review status: criteria provided, single submitter. Criteria: GeneDx Variant Classification Process June 2021. Collection method: clinical testing. Allele origin: germline. Affected: yes.

Breakthrough Genomics
Classification: Benign. Review status: criteria provided, single submitter. Criteria: ACMG Guidelines, 2015. Collection method: not provided. Allele origin: germline. Inheritance: Autosomal recessive inheritance. Affected: yes.